The following is an entry in ClinVar:

ClinVar aggregate classification (germline): Uncertain significance. Review status: criteria provided, multiple submitters, no conflicts (2 of 4 stars). 2 submissions from 2 submitters: Uncertain significance (2). Last evaluated 2025-08-13.

Conditions:
Inborn genetic diseases. Identifiers: MedGen C0950123, MeSH D030342.

Allele frequency attached by ClinVar (database versions not stated): gnomAD exomes 0.00001 and 0.00002; ExAC 0.00003; gnomAD 0.00013 and 0.00014; TOPMed 0.00013.
gnomAD v4.1: 35 of 1,613,568 alleles (0.0022%); highest among the groups gnomAD compares: African/African-American, 0.045%; no homozygotes.

Submissions (2):

Ambry Genetics
Classification: Uncertain significance for Inborn genetic diseases. Last evaluated: 2025-08-13. Review status: criteria provided, single submitter. Criteria: Ambry Variant Classification Scheme 2023. Collection method: clinical testing. Allele origin: germline.

ARUP Laboratories, Molecular Genetics and Genomics, ARUP Laboratories
Classification: Uncertain significance. Last evaluated: 2019-11-22. Review status: criteria provided, single submitter. Criteria: ARUP Molecular Germline Variant Investigation Process. Collection method: clinical testing. Allele origin: germline.
Comment: The NEK1 c.1387G>A; p.Ala463Thr variant (rs748009953), to our knowledge, is not reported in the medical literature or gene specific databases. This variant is found in the African population with an allele frequency of 0.045% (11/24194 alleles) in the Genome Aggregation Database. The alanine at codon 463 is highly conserved, but computational analyses (SIFT, PolyPhen-2) predict that this variant is tolerated. Due to limited information, the clinical significance of the p.Ala463Thr variant is uncertain at this time.

NM_001199397.3(NEK1):c.1387G>A (p.Ala463Thr)

Gene: NEK1 (NIMA related kinase 1; minus strand). Cytogenetic location: 4q33.
Variant type: single nucleotide variant.
Coding change: c.1387G>A on transcript NM_001199397.3 (MANE Select); coding-DNA position 1387, G replaced by A.
Protein change: p.Ala463Thr; replaces alanine 463 with threonine.
Molecular consequence: missense variant. On other transcripts: non-coding transcript variant (1).
Genome position (GRCh38, 1-based): chr4:169,555,975, C>T on the plus strand (G>A on the coding strand, the complement: NEK1 is on the minus strand). VCF-style: chr4-169555975-C-T. GRCh37 (hg19) VCF-style: chr4-170477126-C-T.
Other names: c.1387G>A, p.Ala463Thr (NM_001199398.3, NM_001199400.3, NM_001374418.1 and 2 more transcripts); c.1312G>A, p.Ala438Thr (NM_001199399.3); c.1336G>A, p.Ala446Thr (NM_001374420.1); c.1261G>A, p.Ala421Thr (NM_001374421.1); c.1387G>A (NM_012224.2); short protein forms A421T, A438T, A446T, A463T.
Identifiers: ClinVar variation 994176 (VCV000994176.9), dbSNP rs748009953, ClinGen allele CA3137755.